The following is an entry in ClinVar:

ClinVar aggregate classification (germline): Uncertain significance. Review status: criteria provided, multiple submitters, no conflicts (2 of 4 stars). 2 submissions from 2 submitters: Uncertain significance (2). Last evaluated 2022-03-09.

Conditions:
Multiple mitochondrial dysfunctions syndrome 3 (MMDS3). Identifiers: Orphanet 363424, MedGen C3809165, MONDO:0014132, OMIM 615330.
Hereditary spastic paraplegia 74. Also called: Spastic paraplegia 74, autosomal recessive. Identifiers: Orphanet 468661, MedGen C5568837, MONDO:0014644, OMIM 616451.
Inborn genetic diseases. Identifiers: MedGen C0950123, MeSH D030342.

gnomAD v4.1: 4 of 1,442,430 alleles (0.00028%); highest among the groups gnomAD compares: Admixed American, 0.0026%; no homozygotes.

Submissions (2):

Labcorp Genetics (formerly Invitae), Labcorp
Classification: Uncertain significance for Multiple mitochondrial dysfunctions syndrome 3; Hereditary spastic paraplegia 74. Last evaluated: 2022-03-09. Review status: criteria provided, single submitter. Criteria: Invitae Variant Classification Sherloc (09022015). Collection method: clinical testing. Allele origin: germline.
Comment: This sequence change replaces arginine, which is basic and polar, with histidine, which is basic and polar, at codon 30 of the IBA57 protein (p.Arg30His). This variant is not present in population databases (gnomAD no frequency). This variant has not been reported in the literature in individuals affected with IBA57-related conditions. Algorithms developed to predict the effect of missense changes on protein structure and function output the following: SIFT: "Deleterious"; PolyPhen-2: "Benign"; Align-GVGD: "Class C0". The histidine amino acid residue is found in multiple mammalian species, which suggests that this missense change does not adversely affect protein function. In summary, the available evidence is currently insufficient to determine the role of this variant in disease. Therefore, it has been classified as a Variant of Uncertain Significance.

Ambry Genetics
Classification: Uncertain significance for Inborn genetic diseases. Last evaluated: 2021-07-16. Review status: criteria provided, single submitter. Criteria: Ambry Variant Classification Scheme 2023. Collection method: clinical testing. Allele origin: germline.

NM_001010867.4(IBA57):c.89G>A (p.Arg30His)

Gene: IBA57 (iron-sulfur cluster assembly factor IBA57; plus strand). Cytogenetic location: 1q42.13.
Variant type: single nucleotide variant.
Coding change: c.89G>A on transcript NM_001010867.4 (MANE Select); coding-DNA position 89, G replaced by A.
Protein change: p.Arg30His; replaces arginine 30 with histidine.
Molecular consequence: missense variant.
Genome position (GRCh38, 1-based): chr1:228,165,905, G>A. VCF-style: chr1-228165905-G-A. GRCh37 (hg19) VCF-style: chr1-228353606-G-A.
Other names: c.89G>A (NM_001010867.2); short protein forms R30H.
Identifiers: ClinVar variation 1512645 (VCV001512645.7), dbSNP rs2034841698, ClinGen allele CA345104702.